The following is an entry in ClinVar:

ClinVar aggregate classification (germline): Uncertain significance (1 of 4 stars; one submission).

Submission:

GeneDx
Classification: Uncertain significance. Last evaluated: 2025-05-21. Review status: criteria provided, single submitter. Criteria: GeneDx Variant Classification Process June 2021. Collection method: clinical testing. Allele origin: germline. Affected: yes.
Comment: Not observed at significant frequency in large population cohorts (gnomAD); In silico analysis supports that this missense variant has a deleterious effect on protein structure/function; Has not been previously published as pathogenic or benign to our knowledge

NM_001127222.2(CACNA1A):c.2993G>T (p.Gly998Val)

Gene: CACNA1A (calcium voltage-gated channel subunit alpha1 A; minus strand). Cytogenetic location: 19p13.13.
Variant type: single nucleotide variant.
Coding change: c.2993G>T on transcript NM_001127222.2 (MANE Select); coding-DNA position 2993, G replaced by T.
Protein change: p.Gly998Val; replaces glycine 998 with valine.
Molecular consequence: missense variant.
Genome position (GRCh38, 1-based): chr19:13,298,640, C>A on the plus strand (G>T on the coding strand, the complement: CACNA1A is on the minus strand). VCF-style: chr19-13298640-C-A. GRCh37 (hg19) VCF-style: chr19-13409454-C-A.
Other names: c.3005G>T, p.Gly1002Val (NM_000068.4, NM_023035.3); c.2996G>T, p.Gly999Val (NM_001127221.2, NM_001174080.2); short protein forms G1002V, G998V, G999V.
Identifiers: ClinVar variation 4531034 (VCV004531034.1).